The following is an entry in ClinVar:

ClinVar aggregate classification (germline): Uncertain significance (1 of 4 stars; one submission).

Allele frequency attached by ClinVar (database versions not stated): gnomAD exomes 0.00002.
gnomAD v4.1: 33 of 1,612,038 alleles (0.002%); highest among the groups gnomAD compares: Non-Finnish European, 0.0027%; no homozygotes.

Submission:

CeGaT Center for Human Genetics Tuebingen
Classification: Uncertain significance. Last evaluated: 2023-03-01. Review status: criteria provided, single submitter. Criteria: CeGaT Center For Human Genetics Tuebingen Variant Classification Criteria Version 2. Collection method: clinical testing. Allele origin: germline. Affected: yes. Observed: 1 variant allele.
Comment: XRCC1: PM2, BP4

NM_006297.3(XRCC1):c.1375G>A (p.Ala459Thr)

Gene: XRCC1 (X-ray repair cross complementing 1; minus strand). Cytogenetic location: 19q13.31.
Variant type: single nucleotide variant.
Coding change: c.1375G>A on transcript NM_006297.3 (MANE Select); coding-DNA position 1375, G replaced by A.
Protein change: p.Ala459Thr; replaces alanine 459 with threonine.
Molecular consequence: missense variant.
Genome position (GRCh38, 1-based): chr19:43,546,646, C>T on the plus strand (G>A on the coding strand, the complement: XRCC1 is on the minus strand). VCF-style: chr19-43546646-C-T. GRCh37 (hg19) VCF-style: chr19-44050798-C-T.
Other names: short protein forms A459T.
Identifiers: ClinVar variation 2498785 (VCV002498785.28), dbSNP rs748777899, ClinGen allele CA308770989.